The following is an entry in ClinVar:

NM_003721.4(RFXANK):c.438G>A (p.Trp146Ter)

Gene: RFXANK (regulatory factor X associated ankyrin containing protein; plus strand). Cytogenetic location: 19p13.11.
Variant type: single nucleotide variant.
Coding change: c.438G>A on transcript NM_003721.4 (MANE Select); coding-DNA position 438, G replaced by A.
Protein change: p.Trp146Ter; replaces tryptophan 146 with a stop codon.
Molecular consequence: nonsense.
Genome position (GRCh38, 1-based): chr19:19,197,621, G>A. VCF-style: chr19-19197621-G-A. GRCh37 (hg19) VCF-style: chr19-19308430-G-A.
Other names: c.372G>A, p.Trp124Ter (NM_001278727.2, NM_001370234.1); c.369G>A, p.Trp123Ter (NM_001278728.2, NM_134440.3); c.438G>A, p.Trp146Ter (NM_001370233.1, NM_001370238.1); c.435G>A, p.Trp145Ter (NM_001370235.1, NM_001370236.1, NM_001370237.1); short protein forms W146*, W123*, W124*, W145*.
Identifiers: ClinVar variation 4735652 (VCV004735652.1).

ClinVar aggregate classification (germline): Pathogenic (1 of 4 stars; one submission).

Conditions:
MHC class II deficiency. Also called: BLS, TYPE II; Bare lymphocyte syndrome 2. Identifiers: Orphanet 572, MedGen C5447452, MONDO:0008855.

gnomAD v4.1: 1 of 1,613,490 alleles (0.000062%); highest among the groups gnomAD compares: Non-Finnish European, 0.000085%; no homozygotes.

Submission:

Labcorp Genetics (formerly Invitae), Labcorp
Classification: Pathogenic for MHC class II deficiency. Last evaluated: 2026-01-18. Review status: criteria provided, single submitter. Criteria: Invitae Variant Classification Sherloc (09022015). Collection method: clinical testing. Allele origin: germline.
Comment: This sequence change creates a premature translational stop signal (p.Trp146*) in the RFXANK gene. It is expected to result in an absent or disrupted protein product. Loss-of-function variants in RFXANK are known to be pathogenic (PMID: 10803838, 16166641, 21908431). This variant is present in population databases (rs775296271, gnomAD 0.0009%). This variant has not been reported in the literature in individuals affected with RFXANK-related conditions. Algorithms developed to predict the effect of sequence changes on RNA splicing suggest that this variant may disrupt the consensus splice site. For these reasons, this variant has been classified as Pathogenic.

Literature cited by the submitters: PubMed 10803838; PubMed 16166641; PubMed 21908431.